The following is an entry in ClinVar:

NM_000287.4(PEX6):c.1556G>A (p.Arg519His)

Gene: PEX6 (peroxisomal biogenesis factor 6; minus strand). Cytogenetic location: 6p21.1.
Variant type: single nucleotide variant.
Coding change: c.1556G>A on transcript NM_000287.4 (MANE Select); coding-DNA position 1556, G replaced by A.
Protein change: p.Arg519His; replaces arginine 519 with histidine.
Molecular consequence: missense variant. On other transcripts: non-coding transcript variant (1).
Genome position (GRCh38, 1-based): chr6:42,968,422, C>T on the plus strand (G>A on the coding strand, the complement: PEX6 is on the minus strand). VCF-style: chr6-42968422-C-T. GRCh37 (hg19) VCF-style: chr6-42936160-C-T.
Other names: c.1292G>A, p.Arg431His (NM_001316313.2); short protein forms R431H, R519H.
Identifiers: ClinVar variation 1016831 (VCV001016831.5), dbSNP rs368356719, ClinGen allele CA3811296.

ClinVar aggregate classification (germline): Uncertain significance. Review status: criteria provided, single submitter (1 of 4 stars). 2 submissions from 2 submitters: Uncertain significance (1). 1 of the submissions does not count toward it. Last evaluated 2022-06-04.

Conditions:
Zellweger spectrum disorders (ZS). Also called: Zellweger syndrome; Zellweger Spectrum Disorder (ZSD); Zellweger Spectrum Disorder; Zellweger Spectrum. Identifiers: Orphanet 912, MedGen C0043459, MONDO:0019609.
Peroxisome biogenesis disorder. Identifiers: Orphanet 79189, MedGen C1832200, MONDO:0019234. Disease mechanism: loss of function.

Allele frequency attached by ClinVar (database versions not stated): TOPMed 0.00001; ExAC 0.00002; gnomAD exomes 0.00002; ESP Exome Variant Server 0.00008.
gnomAD v4.1: 16 of 1,613,044 alleles (0.00099%); highest among the groups gnomAD compares: South Asian, 0.0033%; no homozygotes.

Submissions (2):

Labcorp Genetics (formerly Invitae), Labcorp
Classification: Uncertain significance for Peroxisome biogenesis disorder. Last evaluated: 2022-06-04. Review status: criteria provided, single submitter. Criteria: Invitae Variant Classification Sherloc (09022015). Collection method: clinical testing. Allele origin: germline.
Comment: This sequence change replaces arginine, which is basic and polar, with histidine, which is basic and polar, at codon 519 of the PEX6 protein (p.Arg519His). This variant is present in population databases (rs368356719, gnomAD 0.02%). This variant has not been reported in the literature in individuals affected with PEX6-related conditions. ClinVar contains an entry for this variant (Variation ID: 1016831). Algorithms developed to predict the effect of missense changes on protein structure and function are either unavailable or do not agree on the potential impact of this missense change (SIFT: "Deleterious"; PolyPhen-2: "Benign"; Align-GVGD: "Class C0"). In summary, the available evidence is currently insufficient to determine the role of this variant in disease. Therefore, it has been classified as a Variant of Uncertain Significance.

Natera, Inc.
Classification: Uncertain significance for Zellweger syndrome. Last evaluated: 2020-04-13. Review status: no assertion criteria provided. Collection method: clinical testing. Allele origin: germline. Not counted in ClinVar's aggregate classification.